The following is an entry in ClinVar:

ClinVar aggregate classification (germline): Uncertain significance (1 of 4 stars; one submission).

Allele frequency attached by ClinVar (database versions not stated): ExAC 0.00001; gnomAD 0.00003; TOPMed 0.00003; gnomAD exomes 0.00004.
gnomAD v4.1: 68 of 1,613,544 alleles (0.0042%); highest among the groups gnomAD compares: Non-Finnish European, 0.0053%; no homozygotes.

Submission:

Labcorp Genetics (formerly Invitae), Labcorp
Classification: Uncertain significance. Last evaluated: 2022-06-08. Review status: criteria provided, single submitter. Criteria: Invitae Variant Classification Sherloc (09022015). Collection method: clinical testing. Allele origin: germline.
Comment: This sequence change replaces leucine, which is neutral and non-polar, with phenylalanine, which is neutral and non-polar, at codon 455 of the GGCX protein (p.Leu455Phe). This variant is present in population databases (rs754960778, gnomAD 0.003%). This variant has not been reported in the literature in individuals affected with GGCX-related conditions. Algorithms developed to predict the effect of missense changes on protein structure and function are either unavailable or do not agree on the potential impact of this missense change (SIFT: "Deleterious"; PolyPhen-2: "Probably Damaging"; Align-GVGD: "Class C15"). In summary, the available evidence is currently insufficient to determine the role of this variant in disease. Therefore, it has been classified as a Variant of Uncertain Significance.

NM_000821.7(GGCX):c.1363C>T (p.Leu455Phe)

Gene: GGCX (gamma-glutamyl carboxylase; minus strand). Cytogenetic location: 2p11.2.
Variant type: single nucleotide variant.
Coding change: c.1363C>T on transcript NM_000821.7 (MANE Select); coding-DNA position 1363, C replaced by T.
Protein change: p.Leu455Phe; replaces leucine 455 with phenylalanine.
Molecular consequence: missense variant.
Genome position (GRCh38, 1-based): chr2:85,552,492, G>A on the plus strand (C>T on the coding strand, the complement: GGCX is on the minus strand). VCF-style: chr2-85552492-G-A. GRCh37 (hg19) VCF-style: chr2-85779615-G-A.
Other names: c.1192C>T, p.Leu398Phe (NM_001142269.4); short protein forms L398F, L455F.
Identifiers: ClinVar variation 2068233 (VCV002068233.1), dbSNP rs754960778, ClinGen allele CA1741835.